The following is an entry in ClinVar:

ClinVar aggregate classification (germline): Benign/Likely benign. Review status: criteria provided, multiple submitters, no conflicts (2 of 4 stars). 7 submissions from 7 submitters: Benign (5); Likely benign (2). Last evaluated 2026-02-04.

Conditions:
Primary ciliary dyskinesia. Also called: Ciliary dyskinesia. Identifiers: Orphanet 244, MedGen C0008780, MONDO:0016575, HP:0012265.

Allele frequency attached by ClinVar (database versions not stated): 1000 Genomes Project 0.13259; 1000 Genomes Project 30x 0.13679; TOPMed 0.18911; ESP Exome Variant Server 0.20605; gnomAD 0.20699; ExAC 0.23656.
gnomAD v4.1: 351,212 of 1,607,404 alleles (22%); highest among the groups gnomAD compares: Non-Finnish European, 24%; 40,519 homozygotes.

Submissions (7):

Labcorp Genetics (formerly Invitae), Labcorp
Classification: Benign for Primary ciliary dyskinesia. Last evaluated: 2026-02-04. Review status: criteria provided, single submitter. Criteria: Invitae Variant Classification Sherloc (09022015). Collection method: clinical testing. Allele origin: germline.

Blueprint Genetics
Classification: Likely benign. Last evaluated: 2024-11-27. Review status: criteria provided, single submitter. Criteria: ACMG Guidelines, 2015. Collection method: clinical testing. Allele origin: germline.

Mayo Clinic Laboratories, Mayo Clinic
Classification: Benign. Last evaluated: 2022-04-26. Review status: criteria provided, single submitter. Criteria: ACMG Guidelines, 2015. Collection method: clinical testing. Allele origin: germline. Observed: 78 variant alleles.

GeneDx
Classification: Benign. Last evaluated: 2018-11-10. Review status: criteria provided, single submitter. Criteria: GeneDx Variant Classification Process June 2021. Collection method: clinical testing. Allele origin: germline. Affected: yes.

Laboratory for Molecular Medicine, Mass General Brigham Personalized Medicine
Classification: Benign. Last evaluated: 2013-02-21. Review status: criteria provided, single submitter. Criteria: LMM Criteria. Collection method: clinical testing. Allele origin: germline. Observed: 44 variant alleles.
Comment: Ser2445Ser in exon 45 of DNAH11: This variant is not expected to have clinical s ignificance because it does not alter an amino acid residue and is not located w ithin the splice consensus sequence. It has been identified in 23.6% (1930/8180) of European American chromosomes from a broad population by the NHLBI Exome Seq uencing Project (dbSNP rs11768670).

Breakthrough Genomics
Classification: Likely benign. Review status: criteria provided, single submitter. Criteria: ACMG Guidelines, 2015. Collection method: not provided. Allele origin: germline. Inheritance: Autosomal recessive inheritance. Affected: yes.

PreventionGenetics, part of Exact Sciences
Classification: Benign. Review status: criteria provided, single submitter. Criteria: ACMG Guidelines, 2015. Collection method: clinical testing. Allele origin: germline.

NM_001277115.2(DNAH11):c.7335G>A (p.Ser2445=)

Gene: DNAH11 (dynein axonemal heavy chain 11; plus strand). Cytogenetic location: 7p15.3.
Variant type: single nucleotide variant.
Coding change: c.7335G>A on transcript NM_001277115.2 (MANE Select); coding-DNA position 7335, G replaced by A.
Protein change: p.Ser2445=; no amino-acid change (serine 2445 retained).
Molecular consequence: synonymous variant.
Genome position (GRCh38, 1-based): chr7:21,725,879, G>A. VCF-style: chr7-21725879-G-A. GRCh37 (hg19) VCF-style: chr7-21765497-G-A.
Other names: p.Ser2445=.
Identifiers: ClinVar variation 178728 (VCV000178728.24), dbSNP rs11768670, ClinGen allele CA182896.